The following is an entry in ClinVar:

NM_001166108.2(PALLD):c.*185G>T

Genes: CBR4 (carbonyl reductase 4; minus strand), PALLD (palladin, cytoskeletal associated protein; plus strand). Cytogenetic location: 4q32.3.
Variant type: single nucleotide variant.
Coding change: c.*185G>T on transcript NM_001166108.2 (MANE Select); 185 bases downstream of the stop codon, G replaced by T.
Molecular consequence: 3 prime UTR variant. On other transcripts: missense variant (4).
Genome position (GRCh38, 1-based): chr4:168,926,365, G>T. VCF-style: chr4-168926365-G-T. GRCh37 (hg19) VCF-style: chr4-169847516-G-T.
Other names: c.2314G>T, p.Val772Leu (NM_001166109.2); c.1999G>T, p.Val667Leu (NM_001166110.2); c.*185G>T (NM_001367567.1, NM_001367570.1, NM_016081.4); c.1390G>T, p.Val464Leu (NM_001367568.1); c.1339G>T, p.Val447Leu (NM_001367569.1); short protein forms V667L, V447L, V464L, V772L.
Identifiers: ClinVar variation 1041427 (VCV001041427.8), dbSNP rs1032243256, ClinGen allele CA109864746.

ClinVar aggregate classification (germline): Uncertain significance (1 of 4 stars; one submission).

Conditions:
Pancreatic adenocarcinoma. Identifiers: MedGen C0281361, MONDO:0006047, HP:0006725.

Allele frequency attached by ClinVar (database versions not stated): gnomAD 0.00001; gnomAD exomes 0.00001; TOPMed 0.00002.
gnomAD v4.1: 8 of 1,536,952 alleles (0.00052%); highest among the groups gnomAD compares: African/African-American, 0.0055%; no homozygotes.

Submission:

Labcorp Genetics (formerly Invitae), Labcorp
Classification: Uncertain significance for Pancreatic adenocarcinoma. Last evaluated: 2020-10-20. Review status: criteria provided, single submitter. Criteria: Invitae Variant Classification Sherloc (09022015). Collection method: clinical testing. Allele origin: germline.
Comment: This variant has not been reported in the literature in individuals with PALLD-related conditions. In summary, the available evidence is currently insufficient to determine the role of this variant in disease. Therefore, it has been classified as a Variant of Uncertain Significance. Algorithms developed to predict the effect of missense changes on protein structure and function are either unavailable or do not agree on the potential impact of this missense change (SIFT: "Deleterious"; PolyPhen-2: "Benign"; Align-GVGD: "Class C0"). This variant is not present in population databases (ExAC no frequency). This sequence change replaces valine with leucine at codon 667 of the PALLD protein (p.Val667Leu). The valine residue is weakly conserved and there is a small physicochemical difference between valine and leucine.